The following is an entry in ClinVar:

ClinVar aggregate classification (germline): Uncertain significance (1 of 4 stars; one submission).

Conditions:
Developmental and epileptic encephalopathy. Identifiers: MedGen C5779964, MONDO:0100620.

Submission:

Labcorp Genetics (formerly Invitae), Labcorp
Classification: Uncertain significance for Early-infantile DEE. Last evaluated: 2021-08-26. Review status: criteria provided, single submitter. Criteria: Invitae Variant Classification Sherloc (09022015). Collection method: clinical testing. Allele origin: germline.
Comment: This sequence change replaces valine with methionine at codon 339 of the CACNA2D2 protein (p.Val339Met). The valine residue is highly conserved and there is a small physicochemical difference between valine and methionine. This variant is not present in population databases (ExAC no frequency). This variant has not been reported in the literature in individuals affected with CACNA2D2-related conditions. Algorithms developed to predict the effect of missense changes on protein structure and function are either unavailable or do not agree on the potential impact of this missense change (SIFT: "Deleterious"; PolyPhen-2: "Probably Damaging"; Align-GVGD: "Class C0"). In summary, the available evidence is currently insufficient to determine the role of this variant in disease. Therefore, it has been classified as a Variant of Uncertain Significance.

NM_006030.4(CACNA2D2):c.1015G>A (p.Val339Met)

Gene: CACNA2D2 (calcium voltage-gated channel auxiliary subunit alpha2delta 2; minus strand). Cytogenetic location: 3p21.31.
Variant type: single nucleotide variant.
Coding change: c.1015G>A on transcript NM_006030.4 (MANE Select); coding-DNA position 1015, G replaced by A.
Protein change: p.Val339Met; replaces valine 339 with methionine.
Molecular consequence: missense variant.
Genome position (GRCh38, 1-based): chr3:50,379,569, C>T on the plus strand (G>A on the coding strand, the complement: CACNA2D2 is on the minus strand). VCF-style: chr3-50379569-C-T. GRCh37 (hg19) VCF-style: chr3-50417000-C-T.
Other names: c.1015G>A, p.Val339Met (NM_001005505.3, NM_001174051.3); c.808G>A, p.Val270Met (NM_001291101.1); short protein forms V270M, V339M.
Identifiers: ClinVar variation 1407311 (VCV001407311.6), dbSNP rs2106661739, ClinGen allele CA352936799.